The following is an entry in ClinVar:

NM_000257.4(MYH7):c.4354-7C>T

Genes: MHRT (myosin heavy chain associated RNA transcript; plus strand), MYH7 (myosin heavy chain 7; minus strand). Cytogenetic location: 14q11.2.
Variant type: single nucleotide variant.
Coding change: c.4354-7C>T on transcript NM_000257.4 (MANE Select); 7 bases into the intron before coding-DNA position 4354, C replaced by T.
Molecular consequence: intron variant. On other transcripts: non-coding transcript variant (1).
Genome position (GRCh38, 1-based): chr14:23,417,325, G>A on the plus strand (C>T on the coding strand, the complement: MYH7 is on the minus strand). VCF-style: chr14-23417325-G-A. GRCh37 (hg19) VCF-style: chr14-23886534-G-A.
Other names: NM_000257.3(MYH7):c.4354-7C>T.
Identifiers: ClinVar variation 43011 (VCV000043011.19), dbSNP rs370093487, ClinGen allele CA014888.

ClinVar aggregate classification (germline): Uncertain significance. Review status: reviewed by expert panel (3 of 4 stars). 7 submissions from 7 submitters: Uncertain significance (1). 6 of the submissions do not count toward it. Last evaluated 2021-06-23.

Conditions:
Hypertrophic cardiomyopathy. Also called: HYPERTROPHIC MYOCARDIOPATHY. Identifiers: Orphanet 217569, MedGen C0007194, MeSH D002312, MONDO:0005045, HP:0001639.
Cardiomyopathy (CMYO). Also called: Cardiomyopathies. Identifiers: Orphanet 167848, MedGen C0878544, MONDO:0004994, HP:0001638. Inheritance: Various modes of inheritance.

Allele frequency attached by ClinVar (database versions not stated): TOPMed 0.00003.
gnomAD v4.1: 38 of 1,613,304 alleles (0.0024%); highest among the groups gnomAD compares: Middle Eastern, 0.018%; no homozygotes.

Submissions (7):

ClinGen Cardiomyopathy Variant Curation Expert Panel
Classification: Uncertain significance for Hypertrophic cardiomyopathy. Last evaluated: 2021-06-23. Review status: reviewed by expert panel. Criteria: ClinGen CMP ACMG Specifications v1. Collection method: curation. Allele origin: germline. Inheritance: Autosomal dominant inheritance.
Comment: The NM_000257.4(MYH7):c.4354-7C>T variant has been reported in 3 individuals with HCM (Invitae pers. comm; LMM pers. comm.). This variant has also been identified in 0.004% (FAF 95% CI; 4/34362) of Latino/Admixed American chromosomes by gnomAD v2.1.1. Since the MYH7 specifications state that PS4 is only applicable if the variant is absent or rare in large population studies, the PS4 criterion was not applied (Kelly 2018 PMID:29300372). This variant is located in the 3' splice region and computational tools do not predict an impact on splicing, though this information is not predictive enough to rule out pathogenicity (BP4). In summary, due to insufficient evidence, this variant is classified as uncertain significance for hypertrophic cardiomyopathy in an autosomal dominant manner. MYH7-specific ACMG/AMP criteria applied (PMID:29300372): BP4.

Women's Health and Genetics/Laboratory Corporation of America, LabCorp
Classification: Likely benign. Last evaluated: 2026-06-08. Review status: criteria provided, single submitter. Criteria: LabCorp Variant Classification Summary - May 2015. Collection method: clinical testing. Allele origin: germline. Not counted in ClinVar's aggregate classification.
Comment: Variant summary: MYH7 c.4354-7C>T alters a nucleotide located at a position not widely known to affect splicing. Consensus agreement among computation tools predict no significant impact on normal splicing. However, these predictions have yet to be confirmed by functional studies. The variant allele was found at a frequency of 4e-05 in 250238 control chromosomes (gnomAD). This frequency is not significantly higher than estimated for disease-causing variants in MYH7, allowing no conclusion about variant significance. c.4354-7C>T has been observed in individuals affected with cardiomyopathy without segregation evidence (e.g. Kelly_2018). This report does not provide unequivocal conclusions about association of the variant with disease. To our knowledge, no experimental evidence demonstrating an impact on protein function has been reported. The following publication has been ascertained in the context of this evaluation (PMID: 29300372). ClinVar contains an entry for this variant (Variation ID: 43011). Based on the evidence outlined above, the variant was classified as likely benign.

Labcorp Genetics (formerly Invitae), Labcorp
Classification: Likely benign for Hypertrophic cardiomyopathy. Last evaluated: 2026-01-08. Review status: criteria provided, single submitter. Criteria: Invitae Variant Classification Sherloc (09022015). Collection method: clinical testing. Allele origin: germline. Not counted in ClinVar's aggregate classification.

All of Us Research Program, National Institutes of Health
Classification: Likely benign for Cardiomyopathy. Last evaluated: 2024-02-05. Review status: criteria provided, single submitter. Criteria: ACMG Guidelines, 2015. Collection method: clinical testing. Allele origin: germline. Inheritance: Autosomal dominant inheritance. Observed: 11 variant alleles, 11 heterozygotes. Not counted in ClinVar's aggregate classification.
Comment: This study involves interpretation of variants in research participants for the purpose of population health screening. Participant phenotype was not available at the time of variant classification. Additional details can be found in publication PMID: 35346344, PMCID: PMC8962531

Color Diagnostics, LLC DBA Color Health
Classification: Likely benign for Cardiomyopathy. Last evaluated: 2018-11-23. Review status: criteria provided, single submitter. Criteria: ACMG Guidelines, 2015. Collection method: clinical testing. Allele origin: germline. Not counted in ClinVar's aggregate classification.

GeneDx
Classification: Benign. Last evaluated: 2013-11-08. Review status: criteria provided, single submitter. Criteria: GeneDx Variant Classification (06012015). Collection method: clinical testing. Allele origin: germline. Affected: yes. Not counted in ClinVar's aggregate classification.
Comment: This variant is considered likely benign or benign based on one or more of the following criteria: it is a conservative change, it occurs at a poorly conserved position in the protein, it is predicted to be benign by multiple in silico algorithms, and/or has population frequency not consistent with disease.

Laboratory for Molecular Medicine, Mass General Brigham Personalized Medicine
Classification: Uncertain significance. Last evaluated: 2011-07-25. Review status: criteria provided, single submitter. Criteria: LMM Criteria. Collection method: clinical testing. Allele origin: germline. Observed: 3 variant alleles. Not counted in ClinVar's aggregate classification.
Comment: The 4354-7C>T variant has not been reported in the literature. This variant has been identified by our laboratory in two individuals with a clinical diagnosis a nd family history of HCM. Of note, this variant did not segregate with the famil y history of HCM in one of these family. The 4354-7C>T variant is located in the 3' splice acceptor region but does not affect the highly conserved -1 and -2 po sitions. However, positions -3 and -5 to -12 are part of the splicing consensus sequence and variants involving these positions can sometimes affect splicing. T herefore, the clinical significance of this variant cannot be determined at this time.

Literature cited by the submitters: PubMed 29300372 (cited by ClinGen Cardiomyopathy Variant Curation Expert Panel and Women's Health and Genetics/Laboratory Corporation of America, LabCorp).